The following is an entry in ClinVar:

ClinVar aggregate classification (germline): Likely benign. Review status: criteria provided, multiple submitters, no conflicts (2 of 4 stars). 4 submissions from 4 submitters: Likely benign (3). 1 of the submissions does not count toward it. Last evaluated 2026-01-19.

Conditions:
LRP2-related disorder. Also called: LRP2-related condition.
Donnai-Barrow syndrome. Also called: DBS/FOAR SYNDROME; FACIOOCULOACOUSTICORENAL SYNDROME. Identifiers: Orphanet 2143, MedGen C1857277, MONDO:0009104, OMIM 222448.

Allele frequency attached by ClinVar (database versions not stated): ExAC 0.00002; gnomAD exomes 0.00002 and 0.00004; gnomAD 0.00013 and 0.00014; ESP Exome Variant Server 0.00015; TOPMed 0.00015; 1000 Genomes Project 30x 0.00016.
gnomAD v4.1: 50 of 1,614,116 alleles (0.0031%); highest among the groups gnomAD compares: Middle Eastern, 0.066%; 1 homozygote.

Submissions (4):

Labcorp Genetics (formerly Invitae), Labcorp
Classification: Likely benign. Last evaluated: 2026-01-19. Review status: criteria provided, single submitter. Criteria: Invitae Variant Classification Sherloc (09022015). Collection method: clinical testing. Allele origin: germline.

Blueprint Genetics
Classification: Likely benign. Last evaluated: 2024-05-10. Review status: criteria provided, single submitter. Criteria: ACMG Guidelines, 2015. Collection method: clinical testing. Allele origin: germline.

Fulgent Genetics
Classification: Likely benign for Donnai-Barrow syndrome. Last evaluated: 2021-12-15. Review status: criteria provided, single submitter. Criteria: ACMG Guidelines, 2015. Collection method: clinical testing. Allele origin: unknown.

PreventionGenetics, part of Exact Sciences
Classification: Likely benign for LRP2-related condition. Last evaluated: 2019-10-28. Review status: no assertion criteria provided. Collection method: clinical testing. Allele origin: germline. Not counted in ClinVar's aggregate classification.
Comment: This variant is classified as likely benign based on ACMG/AMP sequence variant interpretation guidelines (Richards et al. 2015 PMID: 25741868, with internal and published modifications).

NM_004525.3(LRP2):c.7296A>G (p.Arg2432=)

Gene: LRP2 (LDL receptor related protein 2; minus strand). Cytogenetic location: 2q31.1.
Variant type: single nucleotide variant.
Coding change: c.7296A>G on transcript NM_004525.3 (MANE Select); coding-DNA position 7296, A replaced by G.
Protein change: p.Arg2432=; no amino-acid change (arginine 2432 retained).
Molecular consequence: synonymous variant.
Genome position (GRCh38, 1-based): chr2:169,206,424, T>C on the plus strand (A>G on the coding strand, the complement: LRP2 is on the minus strand). VCF-style: chr2-169206424-T-C. GRCh37 (hg19) VCF-style: chr2-170062934-T-C.
Identifiers: ClinVar variation 708879 (VCV000708879.14), dbSNP rs370035430, ClinGen allele CA1954142.